The following is an entry in ClinVar:

ClinVar aggregate classification (germline): Uncertain significance. Review status: criteria provided, multiple submitters, no conflicts (2 of 4 stars). 3 submissions from 3 submitters: Uncertain significance (3). Last evaluated 2025-09-05.

Conditions:
MC3R-related disorder. Also called: MC3R-related condition.

Submissions (3):

Ambry Genetics
Classification: Uncertain significance. Last evaluated: 2025-09-05. Review status: criteria provided, single submitter. Criteria: Ambry Variant Classification Scheme 2023. Collection method: clinical testing. Allele origin: germline.

Labcorp Genetics (formerly Invitae), Labcorp
Classification: Uncertain significance. Last evaluated: 2025-03-10. Review status: criteria provided, single submitter. Criteria: Invitae Variant Classification Sherloc (09022015). Collection method: clinical testing. Allele origin: germline.
Comment: This sequence change replaces leucine, which is neutral and non-polar, with valine, which is neutral and non-polar, at codon 106 of the MC3R protein (p.Leu106Val). This variant is not present in population databases (gnomAD no frequency). This variant has not been reported in the literature in individuals affected with MC3R-related conditions. An algorithm developed to predict the effect of missense changes on protein structure and function (PolyPhen-2) suggests that this variant is likely to be tolerated. In summary, the available evidence is currently insufficient to determine the role of this variant in disease. Therefore, it has been classified as a Variant of Uncertain Significance.

PreventionGenetics, part of Exact Sciences
Classification: Uncertain significance for MC3R-related condition. Last evaluated: 2024-10-16. Review status: criteria provided, single submitter. Criteria: ACMG Guidelines, 2015. Collection method: clinical testing. Allele origin: germline.
Comment: The MC3R c.316C>G variant is predicted to result in the amino acid substitution p.Leu106Val. To our knowledge, this variant has not been reported in the literature or in a large population database (gnomAD), indicating this variant is rare. At this time, the clinical significance of this variant is uncertain due to the absence of conclusive functional and genetic evidence.

NM_019888.3(MC3R):c.316C>G (p.Leu106Val)

Gene: MC3R (melanocortin 3 receptor; plus strand). Cytogenetic location: 20q13.2.
Variant type: single nucleotide variant.
Coding change: c.316C>G on transcript NM_019888.3 (MANE Select); coding-DNA position 316, C replaced by G.
Protein change: p.Leu106Val; replaces leucine 106 with valine.
Molecular consequence: missense variant.
Genome position (GRCh38, 1-based): chr20:56,249,159, C>G. VCF-style: chr20-56249159-C-G. GRCh37 (hg19) VCF-style: chr20-54824215-C-G.
Other names: short protein forms L106V.
Identifiers: ClinVar variation 4104892 (VCV004104892.3).